The following is an entry in ClinVar:

NM_000701.8(ATP1A1):c.413C>G (p.Ala138Gly)

Gene: ATP1A1 (ATPase Na+/K+ transporting subunit alpha 1; plus strand). Cytogenetic location: 1p13.1.
Variant type: single nucleotide variant.
Coding change: c.413C>G on transcript NM_000701.8 (MANE Select); coding-DNA position 413, C replaced by G.
Protein change: p.Ala138Gly; replaces alanine 138 with glycine.
Molecular consequence: missense variant.
Genome position (GRCh38, 1-based): chr1:116,388,156, C>G. VCF-style: chr1-116388156-C-G. GRCh37 (hg19) VCF-style: chr1-116930778-C-G.
Other names: c.413C>G, p.Ala138Gly (NM_001160233.2); c.320C>G, p.Ala107Gly (NM_001160234.2); c.413C>G (NM_000701.7); short protein forms A138G, A107G.
Identifiers: ClinVar variation 3328300 (VCV003328300.2).

ClinVar aggregate classification (germline): Uncertain significance. Review status: criteria provided, single submitter (1 of 4 stars). 2 submissions from 2 submitters: Uncertain significance (1). 1 of the submissions does not count toward it. Last evaluated 2024-04-20.

Conditions:
Inborn genetic diseases. Identifiers: MedGen C0950123, MeSH D030342.
ATP1A1-related disorder. Also called: ATP1A1-related condition.

Submissions (2):

Ambry Genetics
Classification: Uncertain significance for Inborn genetic diseases. Last evaluated: 2024-04-20. Review status: criteria provided, single submitter. Criteria: Ambry Variant Classification Scheme 2023. Collection method: clinical testing. Allele origin: germline.

PreventionGenetics, part of Exact Sciences
Classification: Uncertain significance for ATP1A1-related condition. Last evaluated: 2024-07-12. Review status: no assertion criteria provided. Collection method: clinical testing. Allele origin: germline. Not counted in ClinVar's aggregate classification.
Comment: The ATP1A1 c.413C>G variant is predicted to result in the amino acid substitution p.Ala138Gly. To our knowledge, this variant has not been reported in the literature or in a large population database, indicating this variant is rare. At this time, the clinical significance of this variant is uncertain due to the absence of conclusive functional and genetic evidence.